The following is an entry in ClinVar:

ClinVar aggregate classification (germline): Uncertain significance (1 of 4 stars; one submission).

gnomAD v4.1: 27 of 1,613,906 alleles (0.0017%); highest among the groups gnomAD compares: Non-Finnish European, 0.0023%; no homozygotes.

Submission:

Labcorp Genetics (formerly Invitae), Labcorp
Classification: Uncertain significance. Last evaluated: 2025-03-14. Review status: criteria provided, single submitter. Criteria: Invitae Variant Classification Sherloc (09022015). Collection method: clinical testing. Allele origin: germline.
Comment: This sequence change affects codon 341 of the NYNRIN mRNA. It is a 'silent' change, meaning that it does not change the encoded amino acid sequence of the NYNRIN protein. This variant is present in population databases (rs542214998, gnomAD 0.0009%). This variant has not been reported in the literature in individuals affected with NYNRIN-related conditions. In summary, the available evidence is currently insufficient to determine the role of this variant in disease. Therefore, it has been classified as a Variant of Uncertain Significance.

NM_025081.3(NYNRIN):c.1023G>T (p.Leu341=)

Gene: NYNRIN (NYN domain and retroviral integrase containing; plus strand). Cytogenetic location: 14q12.
Variant type: single nucleotide variant.
Coding change: c.1023G>T on transcript NM_025081.3 (MANE Select); coding-DNA position 1023, G replaced by T.
Protein change: p.Leu341=; no amino-acid change (leucine 341 retained).
Molecular consequence: synonymous variant.
Genome position (GRCh38, 1-based): chr14:24,408,817, G>T. VCF-style: chr14-24408817-G-T. GRCh37 (hg19) VCF-style: chr14-24878023-G-T.
Identifiers: ClinVar variation 3712995 (VCV003712995.2).